The following is an entry in ClinVar:

ClinVar aggregate classification (germline): Likely benign (0 of 4 stars; one submission).

Conditions:
LAMA5-related disorder. Also called: LAMA5-Related Disorders; LAMA5-related condition.

gnomAD v4.1: 5 of 1,254,534 alleles (0.0004%); highest among the groups gnomAD compares: Admixed American, 0.0082%; no homozygotes.

Submission:

PreventionGenetics, part of Exact Sciences
Classification: Likely benign for LAMA5-related condition. Last evaluated: 2022-04-06. Review status: no assertion criteria provided. Collection method: clinical testing. Allele origin: germline.
Comment: This variant is classified as likely benign based on ACMG/AMP sequence variant interpretation guidelines (Richards et al. 2015 PMID: 25741868, with internal and published modifications).

NM_005560.6(LAMA5):c.84G>A (p.Ala28=)

Genes: LAMA5 (laminin subunit alpha 5; minus strand), LOC130066305 (ATAC-STARR-seq lymphoblastoid silent region 13109; plus strand). Cytogenetic location: 20q13.33.
Variant type: single nucleotide variant.
Coding change: c.84G>A on transcript NM_005560.6 (MANE Select); coding-DNA position 84, G replaced by A.
Protein change: p.Ala28=; no amino-acid change (alanine 28 retained).
Molecular consequence: synonymous variant.
Genome position (GRCh38, 1-based): chr20:62,367,162, C>T on the plus strand (G>A on the coding strand, the complement: LAMA5 is on the minus strand). VCF-style: chr20-62367162-C-T. GRCh37 (hg19) VCF-style: chr20-60942218-C-T.
Identifiers: ClinVar variation 3029290 (VCV003029290.2), dbSNP rs1331760943, ClinGen allele CA511328637.